The following is an entry in ClinVar:

ClinVar aggregate classification (germline): Uncertain significance (1 of 4 stars; one submission).

Conditions:
Cystic fibrosis (CF). Also called: MUCOVISCIDOSIS. Identifiers: Orphanet 586, MedGen C0010674, MONDO:0009061, OMIM 219700. Disease mechanism: loss of function.

Submission:

Ambry Genetics
Classification: Uncertain significance for Cystic fibrosis. Last evaluated: 2022-04-19. Review status: criteria provided, single submitter. Criteria: Ambry Variant Classification Scheme 2023. Collection method: clinical testing. Allele origin: germline.
Comment: The p.E656G variant (also known as c.1967A>G), located in coding exon 14 of the CFTR gene, results from an A to G substitution at nucleotide position 1967. The glutamic acid at codon 656 is replaced by glycine, an amino acid with similar properties. This amino acid position is conserved. In addition, the in silico prediction for this alteration is inconclusive. Since supporting evidence is limited at this time, the clinical significance of this alteration remains unclear.

NM_000492.4(CFTR):c.1967A>G (p.Glu656Gly)

Gene: CFTR (CF transmembrane conductance regulator; plus strand). Cytogenetic location: 7q31.2.
Variant type: single nucleotide variant.
Coding change: c.1967A>G on transcript NM_000492.4 (MANE Select); coding-DNA position 1967, A replaced by G.
Protein change: p.Glu656Gly; replaces glutamic acid 656 with glycine.
Molecular consequence: missense variant.
Genome position (GRCh38, 1-based): chr7:117,592,134, A>G. VCF-style: chr7-117592134-A-G. GRCh37 (hg19) VCF-style: chr7-117232188-A-G.
Other names: short protein forms E656G.
Identifiers: ClinVar variation 1783538 (VCV001783538.3), dbSNP rs1792036139, ClinGen allele CA368979040.